The following is an entry in ClinVar:

NM_002519.3(NPAT):c.3532C>G (p.Gln1178Glu)

Gene: NPAT (nuclear protein, coactivator of histone transcription; minus strand). Cytogenetic location: 11q22.3.
Variant type: single nucleotide variant.
Coding change: c.3532C>G on transcript NM_002519.3 (MANE Select); coding-DNA position 3532, C replaced by G.
Protein change: p.Gln1178Glu; replaces glutamine 1178 with glutamic acid.
Molecular consequence: missense variant.
Genome position (GRCh38, 1-based): chr11:108,161,554, G>C on the plus strand (C>G on the coding strand, the complement: NPAT is on the minus strand). VCF-style: chr11-108161554-G-C. GRCh37 (hg19) VCF-style: chr11-108032281-G-C.
Other names: c.3553C>G, p.Gln1185Glu (NM_001321307.1); short protein forms Q1178E, Q1185E.
Identifiers: ClinVar variation 1732378 (VCV001732378.2), dbSNP rs2496695642, ClinGen allele CA382510601.

ClinVar aggregate classification (germline): Uncertain significance (1 of 4 stars; one submission).

Submission:

Ambry Genetics
Classification: Uncertain significance. Last evaluated: 2022-06-23. Review status: criteria provided, single submitter. Criteria: Ambry Variant Classification Scheme 2023. Collection method: clinical testing. Allele origin: germline.
Comment: The p.Q1178E variant (also known as c.3532C>G), located in coding exon 17 of the NPAT gene, results from a C to G substitution at nucleotide position 3532. The glutamine at codon 1178 is replaced by glutamic acid, an amino acid with highly similar properties. This amino acid position is conserved. In addition, this alteration is predicted to be tolerated by in silico analysis. Since supporting evidence is limited at this time, the clinical significance of this alteration remains unclear.